The following is an entry in ClinVar:

ClinVar aggregate classification (germline): Conflicting classifications of pathogenicity. Review status: criteria provided, conflicting classifications (1 of 4 stars). 7 submissions from 7 submitters: Uncertain significance (6); Likely benign (1). Last evaluated 2026-02-17.

Conditions:
Retinoblastoma (RB1). Also called: RETINOBLASTOMA, SOMATIC. Identifiers: Orphanet 790, MedGen C0035335, MeSH D012175, MONDO:0008380, OMIM 180200, HP:0009919. Disease mechanism: loss of function. Inheritance: Both sporadic and heritable forms are tested..
Hereditary cancer-predisposing syndrome. Also called: Neoplastic Syndromes, Hereditary; Hereditary neoplastic syndrome; Tumor predisposition; Hereditary Cancer Syndrome. Identifiers: Orphanet 140162, MedGen C0027672, MeSH D009386, MONDO:0015356.
Malignant tumor of urinary bladder. Also called: Urinary Bladder Neoplasms; Bladder cancer; Urinary bladder cancer. Identifiers: MedGen C0005684, MONDO:0001187, OMIM 109800.
Bone osteosarcoma. Also called: Osteosarcoma, somatic. Identifiers: Orphanet 668, MedGen C0585442, MONDO:0002629, OMIM 259500.
Small cell lung carcinoma. Also called: Lung oat cell carcinoma; SMALL CELL CANCER OF THE LUNG, SOMATIC; Small cell lung cancer. Identifiers: Orphanet 70573, MedGen C0149925, MeSH D055752, MONDO:0008433, OMIM 182280, HP:0030357.

Allele frequency attached by ClinVar (database versions not stated): gnomAD exomes below 0.00001; TOPMed below 0.00001; gnomAD 0.00001.

Submissions (7):

Ambry Genetics
Classification: Uncertain significance for Hereditary cancer-predisposing syndrome. Last evaluated: 2026-02-17. Review status: criteria provided, single submitter. Criteria: Ambry Variant Classification Scheme 2023. Collection method: clinical testing. Allele origin: germline.

Labcorp Genetics (formerly Invitae), Labcorp
Classification: Likely benign for Retinoblastoma. Last evaluated: 2026-01-19. Review status: criteria provided, single submitter. Criteria: Invitae Variant Classification Sherloc (09022015). Collection method: clinical testing. Allele origin: germline.

Color Diagnostics, LLC DBA Color Health
Classification: Uncertain significance for Retinoblastoma. Last evaluated: 2024-03-06. Review status: criteria provided, single submitter. Criteria: ACMG Guidelines, 2015. Collection method: clinical testing. Allele origin: germline.
Comment: This missense variant replaces serine with isoleucine at codon 179 of the RB1 protein. Computational prediction suggests that this variant may not impact protein structure and function. To our knowledge, functional studies have not been reported for this variant. This variant has not been reported in individuals affected with RB1-related disorders in the literature. This variant has not been identified in the general population by the Genome Aggregation Database (gnomAD). The available evidence is insufficient to determine the role of this variant in disease conclusively. Therefore, this variant is classified as a Variant of Uncertain Significance.

Fulgent Genetics
Classification: Uncertain significance for Malignant tumor of urinary bladder; Retinoblastoma; Small cell lung carcinoma; Bone osteosarcoma. Last evaluated: 2024-03-01. Review status: criteria provided, single submitter. Criteria: ACMG Guidelines, 2015. Collection method: clinical testing. Allele origin: germline.

All of Us Research Program, National Institutes of Health
Classification: Uncertain significance for Retinoblastoma. Last evaluated: 2023-05-16. Review status: criteria provided, single submitter. Criteria: ACMG Guidelines, 2015. Collection method: clinical testing. Allele origin: germline. Inheritance: Autosomal dominant inheritance. Observed: 3 variant alleles, 3 heterozygotes.
Comment: This missense variant replaces serine with isoleucine at codon 179 of the RB1 protein. Computational prediction suggests that this variant may not impact protein structure and function (internally defined REVEL score threshold <= 0.5, PMID: 27666373). To our knowledge, functional studies have not been reported for this variant. This variant has not been reported in individuals affected with RB1-related disorders in the literature. This variant has not been identified in the general population by the Genome Aggregation Database (gnomAD). The available evidence is insufficient to determine the role of this variant in disease conclusively. Therefore, this variant is classified as a Variant of Uncertain Significance.

This study involves interpretation of variants in research participants for the purpose of population health screening. Participant phenotype was not available at the time of variant classification. Additional details can be found in publication PMID: 35346344, PMCID: PMC8962531

Baylor Genetics
Classification: Uncertain significance for Malignant tumor of urinary bladder. Last evaluated: 2023-05-16. Review status: criteria provided, single submitter. Criteria: ACMG Guidelines, 2015. Collection method: clinical testing. Allele origin: unknown.

Sema4
Classification: Uncertain significance for Hereditary cancer-predisposing syndrome. Last evaluated: 2021-08-10. Review status: criteria provided, single submitter. Criteria: Sema4 Curation Guidelines. Collection method: curation. Allele origin: germline.
Comment: The RB1 c.536G>T (p.S179I) variant has not been reported in the literature to our knowledge. It was not observed in the large and broad cohorts of the Genome Aggregation Database. The variant has been reported in ClinVar (Variation ID 575576). Functional studies have not been performed, and in silico predictions of the variant's effect on protein function are inconclusive. The evidence is insufficient to meet ACMG/AMP criteria for classifying the variant as benign or pathogenic. Thus, the clinical significance of this variant is currently uncertain.

NM_000321.3(RB1):c.536G>T (p.Ser179Ile)

Gene: RB1 (RB transcriptional corepressor 1; plus strand). Cytogenetic location: 13q14.2.
Variant type: single nucleotide variant.
Coding change: c.536G>T on transcript NM_000321.3 (MANE Select); coding-DNA position 536, G replaced by T.
Protein change: p.Ser179Ile; replaces serine 179 with isoleucine.
Molecular consequence: missense variant.
Genome position (GRCh38, 1-based): chr13:48,347,860, G>T. VCF-style: chr13-48347860-G-T. GRCh37 (hg19) VCF-style: chr13-48921996-G-T.
Other names: short protein forms S179I.
Identifiers: ClinVar variation 575576 (VCV000575576.20), dbSNP rs1566187849, ClinGen allele CA388156857.